The following is an entry in ClinVar:

NM_020975.6(RET):c.1229T>A (p.Leu410His)

Gene: RET (ret proto-oncogene; plus strand). Cytogenetic location: 10q11.21.
Variant type: single nucleotide variant.
Coding change: c.1229T>A on transcript NM_020975.6 (MANE Select); coding-DNA position 1229, T replaced by A.
Protein change: p.Leu410His; replaces leucine 410 with histidine.
Molecular consequence: missense variant.
Genome position (GRCh38, 1-based): chr10:43,109,196, T>A. VCF-style: chr10-43109196-T-A. GRCh37 (hg19) VCF-style: chr10-43604644-T-A.
Other names: c.1229T>A, p.Leu410His (NM_000323.2, NM_001406743.1, NM_001406744.1 and 6 more transcripts); c.467T>A, p.Leu156His (NM_001355216.2); c.1100T>A, p.Leu367His (NM_001406761.1, NM_001406762.1, NM_001406764.1 and 1 more transcripts); c.941T>A, p.Leu314His (NM_001406766.1, NM_001406767.1, NM_001406770.1); c.791T>A, p.Leu264His (NM_001406771.1, NM_001406773.1); c.503T>A, p.Leu168His (NM_001406775.1, NM_001406776.1, NM_001406777.1 and 1 more transcripts); c.239T>A, p.Leu80His (NM_001406784.1); short protein forms L264H, L314H, L156H, L168H, L367H, L410H, L80H.
Identifiers: ClinVar variation 1755052 (VCV001755052.8), dbSNP rs2538426043, ClinGen allele CA376547934.

ClinVar aggregate classification (germline): Uncertain significance. Review status: criteria provided, multiple submitters, no conflicts (2 of 4 stars). 2 submissions from 2 submitters: Uncertain significance (2). Last evaluated 2025-08-12.

Conditions:
Hereditary cancer-predisposing syndrome. Also called: Neoplastic Syndromes, Hereditary; Tumor predisposition; Hereditary Cancer Syndrome; Hereditary neoplastic syndrome. Identifiers: Orphanet 140162, MedGen C0027672, MeSH D009386, MONDO:0015356.
Multiple endocrine neoplasia, type 2 (MEN2). Identifiers: Orphanet 653, MedGen C4048306, MONDO:0019003. Disease mechanism: gain of function.

Allele frequency attached by ClinVar (database versions not stated): gnomAD exomes below 0.00001.
gnomAD v4.1: 1 of 1,613,660 alleles (0.000062%); highest among the groups gnomAD compares: Admixed American, 0.0017%; no homozygotes.

Submissions (2):

Ambry Genetics
Classification: Uncertain significance for Hereditary cancer-predisposing syndrome. Last evaluated: 2025-08-12. Review status: criteria provided, single submitter. Criteria: Ambry Variant Classification Scheme 2023. Collection method: clinical testing. Allele origin: germline.
Comment: The p.L410H variant (also known as c.1229T>A), located in coding exon 6 of the RET gene, results from a T to A substitution at nucleotide position 1229. The leucine at codon 410 is replaced by histidine, an amino acid with similar properties. This amino acid position is poorly conserved in available vertebrate species. In addition, this alteration is predicted to be tolerated by in silico analysis. Based on the available evidence, the clinical significance of this variant remains unclear.

Labcorp Genetics (formerly Invitae), Labcorp
Classification: Uncertain significance for Multiple endocrine neoplasia, type 2. Last evaluated: 2025-05-07. Review status: criteria provided, single submitter. Criteria: Invitae Variant Classification Sherloc (09022015). Collection method: clinical testing. Allele origin: germline.
Comment: This sequence change replaces leucine, which is neutral and non-polar, with histidine, which is basic and polar, at codon 410 of the RET protein (p.Leu410His). This variant is not present in population databases (gnomAD no frequency). This variant has not been reported in the literature in individuals affected with RET-related conditions. ClinVar contains an entry for this variant (Variation ID: 1755052). An algorithm developed to predict the effect of missense changes on protein structure and function (PolyPhen-2) suggests that this variant is likely to be tolerated. In summary, the available evidence is currently insufficient to determine the role of this variant in disease. Therefore, it has been classified as a Variant of Uncertain Significance.